The following is an entry in ClinVar:

NM_000043.6(FAS):c.279C>A (p.Asp93Glu)

Gene: FAS (Fas cell surface death receptor; plus strand). Cytogenetic location: 10q23.31.
Variant type: single nucleotide variant.
Coding change: c.279C>A on transcript NM_000043.6 (MANE Select); coding-DNA position 279, C replaced by A.
Protein change: p.Asp93Glu; replaces aspartic acid 93 with glutamic acid.
Molecular consequence: missense variant. On other transcripts: non-coding transcript variant (4).
Genome position (GRCh38, 1-based): chr10:89,007,782, C>A. VCF-style: chr10-89007782-C-A. GRCh37 (hg19) VCF-style: chr10-90767539-C-A.
Other names: c.279C>A, p.Asp93Glu (NM_001320619.2, NM_152871.4, NM_152872.4); c.324C>A, p.Asp108Glu (NM_001410956.1); short protein forms D93E, D108E.
Identifiers: ClinVar variation 2977588 (VCV002977588.3), dbSNP rs771699698, ClinGen allele CA5593075.
Genomic context (GRCh38, chr10:89,007,782, plus strand): 5'-CACAGTCAATGGGGATGAACCAGACTGCGTGCCCTGCCAAGAAGGGAAGGAGTACACAGA[C>A]AAAGCCCATTTTTCTTCCAAATGCAGAAGATGTAGATTGTGTGATGAAGGACATGGTAAG-3'
Protein context (NP_000034.1, residues 83-103): VPCQEGKEYT[Asp93Glu]KAHFSSKCRR

ClinVar aggregate classification (germline): Uncertain significance (1 of 4 stars; one submission).

Conditions:
Autoimmune lymphoproliferative syndrome type 1. Also called: AUTOIMMUNE LYMPHOPROLIFERATIVE SYNDROME, TYPE I, AUTOSOMAL DOMINANT. Identifiers: Orphanet 3261, MedGen C2717884, MONDO:0011158, OMIM 601859.

Allele frequency attached by ClinVar (database versions not stated): gnomAD exomes below 0.00001; gnomAD 0.00001; ExAC 0.00002.
gnomAD v4.1: 7 of 1,613,924 alleles (0.00043%); highest among the groups gnomAD compares: Non-Finnish European, 0.00051%; no homozygotes.

Submission:

Labcorp Genetics (formerly Invitae), Labcorp
Classification: Uncertain significance for Autoimmune lymphoproliferative syndrome. Last evaluated: 2022-12-09. Review status: criteria provided, single submitter. Criteria: Invitae Variant Classification Sherloc (09022015). Collection method: clinical testing. Allele origin: germline.
Comment: In summary, the available evidence is currently insufficient to determine the role of this variant in disease. Therefore, it has been classified as a Variant of Uncertain Significance. Algorithms developed to predict the effect of missense changes on protein structure and function output the following: SIFT: "Not Available"; PolyPhen-2: "Possibly Damaging"; Align-GVGD: "Not Available". The glutamic acid amino acid residue is found in multiple mammalian species, which suggests that this missense change does not adversely affect protein function. This variant has not been reported in the literature in individuals affected with FAS-related conditions. This variant is present in population databases (rs771699698, gnomAD 0.002%). This sequence change replaces aspartic acid, which is acidic and polar, with glutamic acid, which is acidic and polar, at codon 93 of the FAS protein (p.Asp93Glu).